The following is an entry in ClinVar:

NM_004153.4(ORC1):c.755C>T (p.Ser252Leu)

Gene: ORC1 (origin recognition complex subunit 1; minus strand). Cytogenetic location: 1p32.3.
Variant type: single nucleotide variant.
Coding change: c.755C>T on transcript NM_004153.4 (MANE Select); coding-DNA position 755, C replaced by T.
Protein change: p.Ser252Leu; replaces serine 252 with leucine.
Molecular consequence: missense variant.
Genome position (GRCh38, 1-based): chr1:52,393,770, G>A on the plus strand (C>T on the coding strand, the complement: ORC1 is on the minus strand). VCF-style: chr1-52393770-G-A. GRCh37 (hg19) VCF-style: chr1-52859442-G-A.
Other names: c.755C>T, p.Ser252Leu (NM_001190818.2, NM_001190819.2); short protein forms S252L.
Identifiers: ClinVar variation 1474068 (VCV001474068.8), dbSNP rs1647281362, ClinGen allele CA340359863.

ClinVar aggregate classification (germline): Uncertain significance (1 of 4 stars; one submission).

Allele frequency attached by ClinVar (database versions not stated): gnomAD 0.00001; TOPMed 0.00001; gnomAD exomes 0.00002.
gnomAD v4.1: 13 of 1,613,698 alleles (0.00081%); highest among the groups gnomAD compares: Non-Finnish European, 0.0011%; no homozygotes.

Submission:

Labcorp Genetics (formerly Invitae), Labcorp
Classification: Uncertain significance. Last evaluated: 2021-04-24. Review status: criteria provided, single submitter. Criteria: Invitae Variant Classification Sherloc (09022015). Collection method: clinical testing. Allele origin: germline.
Comment: In summary, the available evidence is currently insufficient to determine the role of this variant in disease. Therefore, it has been classified as a Variant of Uncertain Significance. Algorithms developed to predict the effect of missense changes on protein structure and function output the following: SIFT: "Tolerated"; PolyPhen-2: "Benign"; Align-GVGD: "Class C0". The leucine amino acid residue is found in multiple mammalian species, suggesting that this missense change does not adversely affect protein function. These predictions have not been confirmed by published functional studies and their clinical significance is uncertain. This variant has not been reported in the literature in individuals with ORC1-related conditions. This variant is not present in population databases (ExAC no frequency). This sequence change replaces serine with leucine at codon 252 of the ORC1 protein (p.Ser252Leu). The serine residue is moderately conserved and there is a large physicochemical difference between serine and leucine.